The following is an entry in ClinVar:

NM_001035.3(RYR2):c.7778T>C (p.Val2593Ala)

Gene: RYR2 (ryanodine receptor 2; plus strand). Cytogenetic location: 1q43.
Variant type: single nucleotide variant.
Coding change: c.7778T>C on transcript NM_001035.3 (MANE Select); coding-DNA position 7778, T replaced by C.
Protein change: p.Val2593Ala; replaces valine 2593 with alanine.
Molecular consequence: missense variant.
Genome position (GRCh38, 1-based): chr1:237,651,455, T>C. VCF-style: chr1-237651455-T-C. GRCh37 (hg19) VCF-style: chr1-237814755-T-C.
Other names: c.7778T>C (NM_001035.2); short protein forms V2593A.
Identifiers: ClinVar variation 3385782 (VCV003385782.5).

ClinVar aggregate classification (germline): Uncertain significance. Review status: criteria provided, multiple submitters, no conflicts (2 of 4 stars). 4 submissions from 4 submitters: Uncertain significance (4). Last evaluated 2025-11-06.

Conditions:
Catecholaminergic polymorphic ventricular tachycardia (CVPT). Also called: Catecholamine-induced polymorphic ventricular tachycardia. Identifiers: Orphanet 3286, MedGen C5574922, MONDO:0017990.
Cardiovascular phenotype. Identifiers: MedGen CN230736.
Catecholaminergic polymorphic ventricular tachycardia 1. Also called: VENTRICULAR TACHYCARDIA, CATECHOLAMINERGIC POLYMORPHIC, 1, WITH OR WITHOUT ATRIAL DYSFUNCTION AND/OR DILATED CARDIOMYOPATHY; VENTRICULAR TACHYCARDIA, STRESS-INDUCED POLYMORPHIC 1; RYR2-Related Catecholaminergic Polymorphic Ventricular Tachycardia. Identifiers: Orphanet 3286, MedGen C1631597, MONDO:0011484, OMIM 604772.

gnomAD v4.1: 4 of 1,594,044 alleles (0.00025%); highest among the groups gnomAD compares: African/African-American, 0.0054%; no homozygotes.

Submissions (4):

Labcorp Genetics (formerly Invitae), Labcorp
Classification: Uncertain significance for Catecholaminergic polymorphic ventricular tachycardia 1. Last evaluated: 2025-11-06. Review status: criteria provided, single submitter. Criteria: Invitae Variant Classification Sherloc (09022015). Collection method: clinical testing. Allele origin: germline.
Comment: This sequence change replaces valine, which is neutral and non-polar, with alanine, which is neutral and non-polar, at codon 2593 of the RYR2 protein (p.Val2593Ala). This variant is not present in population databases (gnomAD no frequency). This variant has not been reported in the literature in individuals affected with RYR2-related conditions. ClinVar contains an entry for this variant (Variation ID: 3385782). Invitae Evidence Modeling of protein sequence and biophysical properties (such as structural, functional, and spatial information, amino acid conservation, physicochemical variation, residue mobility, and thermodynamic stability) indicates that this missense variant is expected to disrupt RYR2 protein function with a positive predictive value of 95%. In summary, the available evidence is currently insufficient to determine the role of this variant in disease. Therefore, it has been classified as a Variant of Uncertain Significance.

Ambry Genetics
Classification: Uncertain significance for Cardiovascular phenotype. Last evaluated: 2025-08-05. Review status: criteria provided, single submitter. Criteria: Ambry Variant Classification Scheme 2023. Collection method: clinical testing. Allele origin: germline.
Comment: The p.V2593A variant (also known as c.7778T>C), located in coding exon 51 of the RYR2 gene, results from a T to C substitution at nucleotide position 7778. The valine at codon 2593 is replaced by alanine, an amino acid with similar properties. This amino acid position is highly conserved in available vertebrate species. In addition, this alteration is predicted to be deleterious by in silico analysis. Based on the available evidence, the clinical significance of this variant remains unclear.

GeneDx
Classification: Uncertain significance. Last evaluated: 2025-02-26. Review status: criteria provided, single submitter. Criteria: GeneDx Variant Classification Process June 2021. Collection method: clinical testing. Allele origin: germline. Affected: yes.
Comment: Not observed at significant frequency in large population cohorts (gnomAD); In silico analysis supports that this missense variant has a deleterious effect on protein structure/function; Has not been previously published as pathogenic or benign to our knowledge; Not located in one of the three hot-spot regions of the RYR2 gene, where the majority of pathogenic missense variants occur (PMID: 19926015); This variant is associated with the following publications: (PMID: 19926015)

All of Us Research Program, National Institutes of Health
Classification: Uncertain significance for Catecholaminergic polymorphic ventricular tachycardia. Last evaluated: 2024-06-11. Review status: criteria provided, single submitter. Criteria: ACMG Guidelines, 2015. Collection method: clinical testing. Allele origin: germline. Inheritance: Autosomal dominant inheritance. Observed: 1 variant allele, 1 heterozygote.
Comment: This study involves interpretation of variants in research participants for the purpose of population health screening. Participant phenotype was not available at the time of variant classification. Additional details can be found in publication PMID: 35346344, PMCID: PMC8962531